The following is an entry in ClinVar:

NC_000023.11:g.(?_32844773)_(32844870_?)dup

Gene: DMD (dystrophin; minus strand). Cytogenetic location: Xp21.1.
Variant type: Duplication.
Identifiers: ClinVar variation 831950 (VCV000831950.8).

ClinVar aggregate classification (germline): Uncertain significance (1 of 4 stars; one submission).

Conditions:
Duchenne muscular dystrophy (DMD). Also called: Duchenne Muscular Dystrophy (DMD); MUSCULAR DYSTROPHY, PSEUDOHYPERTROPHIC PROGRESSIVE, DUCHENNE TYPE. Identifiers: Orphanet 98896, MedGen C0013264, MONDO:0010679, OMIM 310200.

Submission:

Labcorp Genetics (formerly Invitae), Labcorp
Classification: Uncertain significance for Duchenne muscular dystrophy. Last evaluated: 2020-04-17. Review status: criteria provided, single submitter. Criteria: Invitae Variant Classification Sherloc (09022015). Collection method: clinical testing. Allele origin: germline.
Comment: In summary, the available evidence is currently insufficient to determine the role of this variant in disease. Therefore, it has been classified as a Variant of Uncertain Significance. Experimental studies and prediction algorithms are not available or were not evaluated, and the functional significance of this variant is currently unknown. This variant results in a copy number gain of the genomic region encompassing exon 4 of the DMD gene. While the exact position of this variant cannot be determined from this data, sub-genic copy number gains are generally in tandem (PMID: 25640679). This variant would be expected to be in-frame, preserving the integrity of the reading frame.

Literature cited by the submitters: PubMed 25640679.